The following is an entry in ClinVar:

NM_000090.4(COL3A1):c.2633G>A (p.Arg878His)

Gene: COL3A1 (collagen type III alpha 1 chain; plus strand). Cytogenetic location: 2q32.2.
Variant type: single nucleotide variant.
Coding change: c.2633G>A on transcript NM_000090.4 (MANE Select); coding-DNA position 2633, G replaced by A.
Protein change: p.Arg878His; replaces arginine 878 with histidine.
Molecular consequence: missense variant.
Genome position (GRCh38, 1-based): chr2:189,003,759, G>A. VCF-style: chr2-189003759-G-A. GRCh37 (hg19) VCF-style: chr2-189868485-G-A.
Other names: short protein forms R878H.
Identifiers: ClinVar variation 921547 (VCV000921547.4), dbSNP rs1419949637, ClinGen allele CA349843585.

ClinVar aggregate classification (germline): Uncertain significance. Review status: criteria provided, multiple submitters, no conflicts (2 of 4 stars). 2 submissions from 2 submitters: Uncertain significance (2). Last evaluated 2026-04-15.

Conditions:
Familial thoracic aortic aneurysm and aortic dissection (TAAD). Also called: Thoracic aortic aneurysms and dissections. Identifiers: Orphanet 91387, MedGen C4707243, MONDO:0019625.

Allele frequency attached by ClinVar (database versions not stated): gnomAD exomes below 0.00001; TOPMed 0.00001.
gnomAD v4.1: 5 of 1,613,794 alleles (0.00031%); highest among the groups gnomAD compares: East Asian, 0.0022%; no homozygotes.

Submissions (2):

Women's Health and Genetics/Laboratory Corporation of America, LabCorp
Classification: Uncertain significance. Last evaluated: 2026-04-15. Review status: criteria provided, single submitter. Criteria: LabCorp Variant Classification Summary - May 2015. Collection method: clinical testing. Allele origin: germline.
Comment: Variant summary: COL3A1 c.2633G>A (p.Arg878His) results in a non-conservative amino acid change in the encoded protein sequence. Algorithms developed to predict the effect of missense changes on protein structure and function all suggest that this variant is likely to be disruptive. The variant allele was found at a frequency of 4e-06 in 251424 control chromosomes. The available data on variant occurrences in the general population are insufficient to allow any conclusion about variant significance. c.2633G>A has been observed in an individual from a thoracic aortic aneurysms and dissections cohort (Kathiravel_2013). This report does not provide unequivocal conclusions about association of the variant with COL3A1-related conditions. To our knowledge, no experimental evidence demonstrating an impact on protein function has been reported. The following publication has been ascertained in the context of this evaluation (PMID: 23142374). ClinVar contains an entry for this variant (Variation ID: 921547). Based on the evidence outlined above, the variant was classified as uncertain significance.

Color Diagnostics, LLC DBA Color Health
Classification: Uncertain significance for Familial thoracic aortic aneurysm and aortic dissection. Last evaluated: 2019-12-29. Review status: criteria provided, single submitter. Criteria: ACMG Guidelines, 2015. Collection method: clinical testing. Allele origin: germline.
Comment: This missense variant replaces arginine with histidine at codon 878 of the COL3A1 protein. Computational prediction is inconclusive regarding the impact of this variant on protein structure and function (internally defined REVEL score threshold 0.5 < inconclusive < 0.7, PMID: 27666373). Splice site prediction tools suggest that this variant may not impact RNA splicing. To our knowledge, functional studies have not been performed for this variant. This variant has been reported in an individual suspected of having Marfan syndrome or Loeys-Dietz syndrome (PMID: 23142374). This variant has been identified in 1/251424 chromosomes in the general population by the Genome Aggregation Database (gnomAD). The available evidence is insufficient to determine the role of this variant in disease conclusively. Therefore, this variant is classified as a Variant of Uncertain Significance.

Literature cited by the submitters: PubMed 23142374 (cited by Women's Health and Genetics/Laboratory Corporation of America, LabCorp).